The following is an entry in ClinVar:

NM_006031.6(PCNT):c.7448G>A (p.Gly2483Asp)

Gene: PCNT (pericentrin; plus strand). Cytogenetic location: 21q22.3.
Variant type: single nucleotide variant.
Coding change: c.7448G>A on transcript NM_006031.6 (MANE Select); coding-DNA position 7448, G replaced by A.
Protein change: p.Gly2483Asp; replaces glycine 2483 with aspartic acid.
Molecular consequence: missense variant.
Genome position (GRCh38, 1-based): chr21:46,427,749, G>A. VCF-style: chr21-46427749-G-A. GRCh37 (hg19) VCF-style: chr21-47847663-G-A.
Other names: c.7094G>A, p.Gly2365Asp (NM_001315529.2); short protein forms G2365D, G2483D.
Identifiers: ClinVar variation 3351412 (VCV003351412.1).

ClinVar aggregate classification (germline): Uncertain significance (0 of 4 stars; one submission).

Conditions:
PCNT-related disorder. Also called: PCNT-related condition.

gnomAD v4.1: 35 of 1,613,676 alleles (0.0022%); highest among the groups gnomAD compares: Non-Finnish European, 0.0024%; no homozygotes.

Submission:

PreventionGenetics, part of Exact Sciences
Classification: Uncertain significance for PCNT-related condition. Last evaluated: 2024-05-31. Review status: no assertion criteria provided. Collection method: clinical testing. Allele origin: germline.
Comment: The PCNT c.7448G>A variant is predicted to result in the amino acid substitution p.Gly2483Asp. To our knowledge, this variant has not been reported in the literature. This variant is reported in 0.0080% of alleles in individuals of African descent in gnomAD. At this time, the clinical significance of this variant is uncertain due to the absence of conclusive functional and genetic evidence.